The following is an entry in ClinVar:

ClinVar aggregate classification (germline): Uncertain significance (1 of 4 stars; one submission).

Submission:

Labcorp Genetics (formerly Invitae), Labcorp
Classification: Uncertain significance. Last evaluated: 2025-03-17. Review status: criteria provided, single submitter. Criteria: Invitae Variant Classification Sherloc (09022015). Collection method: clinical testing. Allele origin: germline.
Comment: This sequence change replaces proline, which is neutral and non-polar, with leucine, which is neutral and non-polar, at codon 57 of the GPR143 protein (p.Pro57Leu). The frequency data for this variant in the population databases is considered unreliable, as metrics indicate insufficient coverage at this position in the gnomAD database. This variant has not been reported in the literature in individuals affected with GPR143-related conditions. ClinVar contains an entry for this variant (Variation ID: 2127997). Invitae Evidence Modeling of protein sequence and biophysical properties (such as structural, functional, and spatial information, amino acid conservation, physicochemical variation, residue mobility, and thermodynamic stability) indicates that this missense variant is not expected to disrupt GPR143 protein function with a negative predictive value of 95%. In summary, the available evidence is currently insufficient to determine the role of this variant in disease. Therefore, it has been classified as a Variant of Uncertain Significance.

NM_000273.3(GPR143):c.170C>T (p.Pro57Leu)

Gene: GPR143 (G protein-coupled receptor 143; minus strand). Cytogenetic location: Xp22.2.
Variant type: single nucleotide variant.
Coding change: c.170C>T on transcript NM_000273.3 (MANE Select); coding-DNA position 170, C replaced by T.
Protein change: p.Pro57Leu; replaces proline 57 with leucine.
Molecular consequence: missense variant.
Genome position (GRCh38, 1-based): chrX:9,765,648, G>A on the plus strand (C>T on the coding strand, the complement: GPR143 is on the minus strand). VCF-style: chrX-9765648-G-A. GRCh37 (hg19) VCF-style: chrX-9733688-G-A.
Other names: short protein forms P57L.
Identifiers: ClinVar variation 2127997 (VCV002127997.4), dbSNP rs2518642138, ClinGen allele CA412000584.